The following is an entry in ClinVar:

NM_000784.4(CYP27A1):c.1061A>G (p.Asp354Gly)

Gene: CYP27A1 (cytochrome P450 family 27 subfamily A member 1; plus strand). Cytogenetic location: 2q35.
Variant type: single nucleotide variant.
Coding change: c.1061A>G on transcript NM_000784.4 (MANE Select); coding-DNA position 1061, A replaced by G.
Protein change: p.Asp354Gly; replaces aspartic acid 354 with glycine.
Molecular consequence: missense variant.
Genome position (GRCh38, 1-based): chr2:218,814,064, A>G. VCF-style: chr2-218814064-A-G. GRCh37 (hg19) VCF-style: chr2-219678787-A-G.
Other names: c.1061A>G; short protein forms D354G.
Identifiers: ClinVar variation 65827 (VCV000065827.3), dbSNP rs72551320, ClinGen allele CA345156.
Genomic context (GRCh38, chr2:218,814,064, plus strand): 5'-CCCACTCTATCTTCTAGACATCCAACACGCTGACATGGGCCCTGTACCACCTCTCAAAGG[A>G]CCCTGAGATCCAGGAGGCCTTGCACGAGGAAGTGGTGGGTGTGGTGCCAGCCGGGCAAGT-3'
Protein context (NP_000775.1, residues 344-364): LTWALYHLSK[Asp354Gly]PEIQEALHEE

ClinVar aggregate classification (germline): Pathogenic (0 of 4 stars; one submission).

Conditions:
Cholestanol storage disease (CTX). Also called: CEREBRAL CHOLESTERINOSIS; Cerebrotendinous Xanthomatosis; CTX: Cerebrotendinous xanthomatosis. Identifiers: Orphanet 909, MedGen C0238052, MONDO:0008948, OMIM 213700.

Submission:

GeneReviews
Classification: Pathogenic for Cerebrotendinous Xanthomatosis. Last evaluated: 2013-08-01. Review status: no assertion criteria provided. Collection method: curation. Allele origin: unknown.
ClinVar note: Converted during submission from pathologic to Pathogenic.